The following is an entry in ClinVar:

ClinVar aggregate classification (germline): Uncertain significance (1 of 4 stars; one submission).

Conditions:
Immunodeficiency 18 (IMD18). Also called: CD3-EPSILON DEFICIENCY; CD3epsilon deficiency. Identifiers: MedGen C3810127, MONDO:0014278, OMIM 615615.

Allele frequency attached by ClinVar (database versions not stated): ESP Exome Variant Server 0.00008.
gnomAD v4.1: 7 of 1,613,778 alleles (0.00043%); highest among the groups gnomAD compares: Non-Finnish European, 0.00059%; no homozygotes.

Submission:

Labcorp Genetics (formerly Invitae), Labcorp
Classification: Uncertain significance for Immunodeficiency 18. Last evaluated: 2022-03-27. Review status: criteria provided, single submitter. Criteria: Invitae Variant Classification Sherloc (09022015). Collection method: clinical testing. Allele origin: germline.
Comment: This sequence change replaces arginine, which is basic and polar, with glycine, which is neutral and non-polar, at codon 164 of the CD3E protein (p.Arg164Gly). This variant is present in population databases (rs201840561, gnomAD 0.0009%). This variant has not been reported in the literature in individuals affected with CD3E-related conditions. Algorithms developed to predict the effect of missense changes on protein structure and function are either unavailable or do not agree on the potential impact of this missense change (SIFT: "Tolerated"; PolyPhen-2: "Possibly Damaging"; Align-GVGD: "Class C0"). In summary, the available evidence is currently insufficient to determine the role of this variant in disease. Therefore, it has been classified as a Variant of Uncertain Significance.

NM_000733.4(CD3E):c.490C>G (p.Arg164Gly)

Gene: CD3E (CD3 epsilon subunit of T-cell receptor complex; plus strand). Cytogenetic location: 11q23.3.
Variant type: single nucleotide variant.
Coding change: c.490C>G on transcript NM_000733.4 (MANE Select); coding-DNA position 490, C replaced by G.
Protein change: p.Arg164Gly; replaces arginine 164 with glycine.
Molecular consequence: missense variant.
Genome position (GRCh38, 1-based): chr11:118,313,844, C>G. VCF-style: chr11-118313844-C-G. GRCh37 (hg19) VCF-style: chr11-118184559-C-G.
Other names: short protein forms R164G.
Identifiers: ClinVar variation 2196664 (VCV002196664.1), dbSNP rs201840561, ClinGen allele CA6301727.